The following is an entry in ClinVar:

NM_001193313.2(SUGCT):c.985C>T (p.Arg329Trp)

Gene: SUGCT (succinyl-CoA:glutarate-CoA transferase; plus strand). Cytogenetic location: 7p14.1.
Variant type: single nucleotide variant.
Coding change: c.985C>T on transcript NM_001193313.2 (MANE Select); coding-DNA position 985, C replaced by T.
Protein change: p.Arg329Trp; replaces arginine 329 with tryptophan.
Molecular consequence: missense variant.
Genome position (GRCh38, 1-based): chr7:40,459,197, C>T. VCF-style: chr7-40459197-C-T. GRCh37 (hg19) VCF-style: chr7-40498796-C-T.
Other names: p.Arg299Trp; c.1006C>T (NM_001193311.1); c.985C>T, p.Arg329Trp (NM_001193311.2); c.841C>T, p.Arg281Trp (NM_001193312.2); c.874C>T, p.Arg292Trp (NM_024728.3); short protein forms R299W, R281W, R292W, R329W.
Identifiers: ClinVar variation 1849 (VCV000001849.22), dbSNP rs137852860, ClinGen allele CA115225.
Genomic context (GRCh38, chr7:40,459,197, plus strand): 5'-TATAAAACTAACCACCTTCGGGTACACAATAGAAAAGAGCTTATTAAAATATTATCTGAA[C>T]GGTAAGTTTGGATGTTGTATTCATCCATTTAAGAATTAATATGTGATAAGCATTTATCTG-3'
Protein context (NP_001180242.2, residues 319-339): RKELIKILSE[Arg329Trp]FEEELTSKWL

ClinVar aggregate classification (germline): Conflicting classifications of pathogenicity. Review status: criteria provided, conflicting classifications (1 of 4 stars). 9 submissions from 9 submitters: Pathogenic (4); Likely pathogenic (1); Uncertain significance (1); Benign (1). 2 of the submissions do not count toward it. Last evaluated 2025-04-10.

Conditions:
SUGCT-related disorder. Also called: SUGCT-related condition.
Glutaryl-CoA oxidase deficiency. Also called: GA III; GLUTARIC ACIDURIA III; Glutaric acidemia type 3. Identifiers: Orphanet 35706, MedGen C0342873, MONDO:0009283, OMIM 231690.

Allele frequency attached by ClinVar (database versions not stated): 1000 Genomes Project 0.00060; 1000 Genomes Project 30x 0.00062; TOPMed 0.00421; gnomAD 0.00434 and 0.00490; gnomAD exomes 0.00463; ExAC 0.00564.
gnomAD v4.1: 8,844 of 1,578,104 alleles (0.56%); highest among the groups gnomAD compares: Non-Finnish European, 0.69%; 32 homozygotes.

Submissions (9):

GeneDx
Classification: Uncertain significance. Last evaluated: 2025-04-10. Review status: criteria provided, single submitter. Criteria: GeneDx Variant Classification Process June 2021. Collection method: clinical testing. Allele origin: germline. Affected: yes.
Comment: In silico analysis supports that this missense variant has a deleterious effect on protein structure/function; Also known as p.(R329W); This variant is associated with the following publications: (PMID: 31980526, 34426522, 31028937, 24467814, 28766179, 23893049, 38370847, 18926513, 20818383, 34269512, 39101156)

First Genomix Gene Laboratory, Genetic Diagnostics Department
Classification: Pathogenic for Glutaryl-CoA oxidase deficiency. Last evaluated: 2025-03-19. Review status: criteria provided, single submitter. Criteria: ACMG Guidelines, 2015. Collection method: clinical testing. Allele origin: germline. Inheritance: Autosomal recessive inheritance. Affected: no. Observed: 1 variant allele.

Mayo Clinic Laboratories, Mayo Clinic
Classification: Pathogenic. Last evaluated: 2023-12-08. Review status: criteria provided, single submitter. Criteria: ACMG Guidelines, 2015. Collection method: clinical testing. Allele origin: germline. Observed: 8 variant alleles.
Comment: PP4, PM2_moderate, PS3, PS4_moderate

Women's Health and Genetics/Laboratory Corporation of America, LabCorp
Classification: Pathogenic for Glutaryl-CoA oxidase deficiency. Last evaluated: 2023-10-19. Review status: criteria provided, single submitter. Criteria: LabCorp Variant Classification Summary - May 2015. Collection method: clinical testing. Allele origin: germline.
Comment: Variant summary: C7orf10 c.895C>T (p.Arg299Trp) results in a non-conservative amino acid change to a highly conserved residue in the encoded protein sequence. Four of five in-silico tools predict a damaging effect of the variant on protein function. The variant allele was found at a frequency of 0.0046 in 276776 control chromosomes in the gnomAD database, including 10 homozygotes. c.895C>T has been reported in the literature in multiple individuals affected with Glutaryl-CoA Oxidase Deficiency and mitochondrial complex I disorder (Sherman_2008, Calvo_2010, Hou_2020), and some were reported as compound heterozygous with truncating variants. These data indicate that the variant is very likely to be associated with disease. At least one publication reports experimental evidence evaluating an impact on protein function, finding that the variant prevents the synthesis of soluble C7orf10 protein (Marlaire_2014). The following publications have been ascertained in the context of this evaluation (PMID: 18926513, 20818383, 23893049, 31980526). Three submitters have provided clinical-significance assessments for this variant to ClinVar after 2014, and classified it as benign (n=1) or pathogenic (n=2). Based on the evidence outlined above, the variant was classified as pathogenic.

Department of Pathology and Laboratory Medicine, Sinai Health System
Classification: Likely pathogenic for Glutaryl-CoA oxidase deficiency. Last evaluated: 2023-08-18. Review status: criteria provided, single submitter. Criteria: ACMG Guidelines, 2015. Collection method: research. Allele origin: germline.

Labcorp Genetics (formerly Invitae), Labcorp
Classification: Benign. Last evaluated: 2021-11-23. Review status: criteria provided, single submitter. Criteria: Invitae Variant Classification Sherloc (09022015). Collection method: clinical testing. Allele origin: germline.

Fulgent Genetics
Classification: Pathogenic for Glutaryl-CoA oxidase deficiency. Last evaluated: 2018-10-31. Review status: criteria provided, single submitter. Criteria: ACMG Guidelines, 2015. Collection method: clinical testing. Allele origin: unknown.

PreventionGenetics, part of Exact Sciences
Classification: Pathogenic for SUGCT-related condition. Last evaluated: 2024-08-29. Review status: no assertion criteria provided. Collection method: clinical testing. Allele origin: germline. Not counted in ClinVar's aggregate classification.
Comment: The SUGCT c.1006C>T variant is predicted to result in the amino acid substitution p.Arg336Trp. This variant has been reported in the compound heterozygous or homozygous state in several individuals with glutaric aciduria type III (Sherman et al. 2008. PubMed ID: 18926513, described as c.895C>T based on transcript NM_024728). An in vitro study suggested that the p.Arg336Trp substitution impairs protein folding (Marlaire et al. 2014. PubMed ID: 23893049). It is currently thought that glutaric aciduria type III is potentially a benign biochemical phenomenon: pathogenic variants are reported in both healthy individuals and affected patients who present with inconsistent symptoms (Sherman et al. 2008. PubMed ID: 18926513; Marlaire et al. 2014. PubMed ID: 23893049). This variant is reported in 0.81% of alleles in individuals of European (Non-Finnish) descent in gnomAD, including several homozygous individuals. Although we classify the c.1006C>T variant as pathogenic based on its effect on the SUGCT protein, the contribution of this variant to clinical disease is uncertain.

OMIM
Classification: Pathogenic for GLUTARIC ACIDURIA III. Last evaluated: 2008-11-01. Review status: no assertion criteria provided. Collection method: literature only. Allele origin: germline. Not counted in ClinVar's aggregate classification.

Literature cited by the submitters: PubMed 18925613 (cited by Mayo Clinic Laboratories, Mayo Clinic); PubMed 20818383 (cited by Mayo Clinic Laboratories, Mayo Clinic and Women's Health and Genetics/Laboratory Corporation of America, LabCorp); PubMed 23893049 (cited by Mayo Clinic Laboratories, Mayo Clinic and Women's Health and Genetics/Laboratory Corporation of America, LabCorp); PubMed 24467814 (cited by Mayo Clinic Laboratories, Mayo Clinic); PubMed 28766179 (cited by Mayo Clinic Laboratories, Mayo Clinic); PubMed 31028937 (cited by Mayo Clinic Laboratories, Mayo Clinic); PubMed 31722069 (cited by Mayo Clinic Laboratories, Mayo Clinic); PubMed 31980526 (cited by Mayo Clinic Laboratories, Mayo Clinic and Women's Health and Genetics/Laboratory Corporation of America, LabCorp); PubMed 34532947 (cited by Mayo Clinic Laboratories, Mayo Clinic); PubMed 18926513 (cited by Women's Health and Genetics/Laboratory Corporation of America, LabCorp and OMIM); PubMed 12555941 (cited by OMIM).